The following is an entry in ClinVar:

ClinVar aggregate classification (germline): Uncertain significance (1 of 4 stars; one submission).

Conditions:
Inborn genetic diseases. Identifiers: MedGen C0950123, MeSH D030342.

gnomAD v4.1: 3 of 1,612,958 alleles (0.00019%); highest among the groups gnomAD compares: South Asian, 0.0011%; no homozygotes.

Submission:

Ambry Genetics
Classification: Uncertain significance for Inborn genetic diseases. Last evaluated: 2024-09-30. Review status: criteria provided, single submitter. Criteria: Ambry Variant Classification Scheme 2023. Collection method: clinical testing. Allele origin: germline.
Comment: The p.L1326F variant (also known as c.3978A>T), located in coding exon 29 of the LRRK2 gene, results from an A to T substitution at nucleotide position 3978. The leucine at codon 1326 is replaced by phenylalanine, an amino acid with highly similar properties. This amino acid position is conserved. In addition, the in silico prediction for this alteration is inconclusive. Since supporting evidence is limited at this time, the clinical significance of this alteration remains unclear.

NM_198578.4(LRRK2):c.3978A>T (p.Leu1326Phe)

Gene: LRRK2 (leucine rich repeat kinase 2; plus strand). Cytogenetic location: 12q12.
Variant type: single nucleotide variant.
Coding change: c.3978A>T on transcript NM_198578.4 (MANE Select); coding-DNA position 3978, A replaced by T.
Protein change: p.Leu1326Phe; replaces leucine 1326 with phenylalanine.
Molecular consequence: missense variant.
Genome position (GRCh38, 1-based): chr12:40,308,485, A>T. VCF-style: chr12-40308485-A-T. GRCh37 (hg19) VCF-style: chr12-40702287-A-T.
Other names: short protein forms L1326F.
Identifiers: ClinVar variation 1736662 (VCV001736662.3), dbSNP rs201636831, ClinGen allele CA384417485.
Genomic context (GRCh38, chr12:40,308,485, plus strand): 5'-TTTAAGCAGTTTATTATTTTATTTTTATCTTTCAAATACTAGGTTTCTTCAACAGCGATT[A>T]AAAAAGGCTGTGCCTTATAACCGAATGAAACTTATGATTGTGGGAAATACTGGGAGTGGT-3'
Protein context (NP_940980.4, residues 1316-1336): KDIIRFLQQR[Leu1326Phe]KKAVPYNRMK